The following is an entry in ClinVar:

ClinVar aggregate classification (germline): Uncertain significance (1 of 4 stars; one submission).

Allele frequency attached by ClinVar (database versions not stated): gnomAD 0.00001; TOPMed 0.00003.
gnomAD v4.1: 2 of 1,614,034 alleles (0.00012%); highest among the groups gnomAD compares: African/African-American, 0.0027%; no homozygotes.

Submission:

Labcorp Genetics (formerly Invitae), Labcorp
Classification: Uncertain significance. Last evaluated: 2025-05-27. Review status: criteria provided, single submitter. Criteria: Invitae Variant Classification Sherloc (09022015). Collection method: clinical testing. Allele origin: germline.
Comment: This sequence change replaces glycine, which is neutral and non-polar, with valine, which is neutral and non-polar, at codon 230 of the CTSK protein (p.Gly230Val). This variant is not present in population databases (gnomAD no frequency). This variant has not been reported in the literature in individuals affected with CTSK-related conditions. ClinVar contains an entry for this variant (Variation ID: 1979656). Invitae Evidence Modeling of protein sequence and biophysical properties (such as structural, functional, and spatial information, amino acid conservation, physicochemical variation, residue mobility, and thermodynamic stability) indicates that this missense variant is expected to disrupt CTSK protein function with a positive predictive value of 95%. In summary, the available evidence is currently insufficient to determine the role of this variant in disease. Therefore, it has been classified as a Variant of Uncertain Significance.

NM_000396.4(CTSK):c.689G>T (p.Gly230Val)

Gene: CTSK (cathepsin K; minus strand). Cytogenetic location: 1q21.3.
Variant type: single nucleotide variant.
Coding change: c.689G>T on transcript NM_000396.4 (MANE Select); coding-DNA position 689, G replaced by T.
Protein change: p.Gly230Val; replaces glycine 230 with valine.
Molecular consequence: missense variant.
Genome position (GRCh38, 1-based): chr1:150,799,639, C>A on the plus strand (G>T on the coding strand, the complement: CTSK is on the minus strand). VCF-style: chr1-150799639-C-A. GRCh37 (hg19) VCF-style: chr1-150772115-C-A.
Other names: short protein forms G230V.
Identifiers: ClinVar variation 1979656 (VCV001979656.4), dbSNP rs956544841, ClinGen allele CA30095656.